The following is an entry in ClinVar:

NM_018723.4(RBFOX1):c.109A>G (p.Ile37Val)

Gene: RBFOX1 (RNA binding fox-1 homolog 1; plus strand). Cytogenetic location: 16p13.3.
Variant type: single nucleotide variant.
Coding change: c.109A>G on transcript NM_018723.4 (MANE Select); coding-DNA position 109, A replaced by G.
Protein change: p.Ile37Val; replaces isoleucine 37 with valine.
Molecular consequence: missense variant.
Genome position (GRCh38, 1-based): chr16:7,518,228, A>G. VCF-style: chr16-7518228-A-G. GRCh37 (hg19) VCF-style: chr16-7568230-A-G.
Other names: c.109A>G, p.Ile37Val (NM_001142333.2, NM_001142334.2, NM_001364800.2); c.238A>G, p.Ile80Val (NM_001308117.1); c.169A>G, p.Ile57Val (NM_145891.3, NM_145892.3, NM_145893.3); short protein forms I57V, I37V, I80V.
Identifiers: ClinVar variation 1521268 (VCV001521268.6), dbSNP rs781321986, ClinGen allele CA7891318.

ClinVar aggregate classification (germline): Uncertain significance (1 of 4 stars; one submission).

Conditions:
Idiopathic generalized epilepsy. Also called: EIG; Generalised epilepsy. Identifiers: MedGen C0270850, MONDO:0005579, OMIM 600669.

Allele frequency attached by ClinVar (database versions not stated): gnomAD exomes below 0.00001 and 0.00001; ExAC 0.00001.
gnomAD v4.1: 14 of 1,614,064 alleles (0.00087%); highest among the groups gnomAD compares: Non-Finnish European, 0.0012%; no homozygotes.

Submission:

Labcorp Genetics (formerly Invitae), Labcorp
Classification: Uncertain significance for Idiopathic generalized epilepsy. Last evaluated: 2022-12-06. Review status: criteria provided, single submitter. Criteria: Invitae Variant Classification Sherloc (09022015). Collection method: clinical testing. Allele origin: germline.
Comment: This variant has not been reported in the literature in individuals affected with RBFOX1-related conditions. ClinVar contains an entry for this variant (Variation ID: 1521268). Advanced modeling of protein sequence and biophysical properties (such as structural, functional, and spatial information, amino acid conservation, physicochemical variation, residue mobility, and thermodynamic stability) performed at Invitae indicates that this missense variant is not expected to disrupt RBFOX1 protein function. In summary, the available evidence is currently insufficient to determine the role of this variant in disease. Therefore, it has been classified as a Variant of Uncertain Significance. This variant is present in population databases (rs781321986, gnomAD 0.0009%). This sequence change replaces isoleucine, which is neutral and non-polar, with valine, which is neutral and non-polar, at codon 57 of the RBFOX1 protein (p.Ile57Val).